The following is an entry in ClinVar:

ClinVar aggregate classification (germline): Uncertain significance (1 of 4 stars; one submission).

Conditions:
Developmental and epileptic encephalopathy 94 (DEE94). Also called: Epileptic encephalopathy, childhood-onset; CHD2-Related Neurodevelopmental Disorders. Identifiers: Orphanet 1942, Orphanet 2382, MedGen C3809278, MONDO:0014150, OMIM 615369.

Submission:

Labcorp Genetics (formerly Invitae), Labcorp
Classification: Uncertain significance for Developmental and epileptic encephalopathy 94. Last evaluated: 2025-04-23. Review status: criteria provided, single submitter. Criteria: Invitae Variant Classification Sherloc (09022015). Collection method: clinical testing. Allele origin: germline.
Comment: This sequence change falls in intron 12 of the CHD2 gene. It does not directly change the encoded amino acid sequence of the CHD2 protein. It affects a nucleotide within the consensus splice site. This variant is not present in population databases (gnomAD no frequency). This variant has not been reported in the literature in individuals affected with CHD2-related conditions. Variants that disrupt the consensus splice site are a relatively common cause of aberrant splicing (PMID: 17576681, 9536098). Algorithms developed to predict the effect of sequence changes on RNA splicing suggest that this variant is not likely to affect RNA splicing. In summary, the available evidence is currently insufficient to determine the role of this variant in disease. Therefore, it has been classified as a Variant of Uncertain Significance.

Literature cited by the submitters: PubMed 17576681; PubMed 9536098.

NM_001271.4(CHD2):c.1377+5G>A

Gene: CHD2 (chromodomain helicase DNA binding protein 2; plus strand). Cytogenetic location: 15q26.1.
Variant type: single nucleotide variant.
Coding change: c.1377+5G>A on transcript NM_001271.4 (MANE Select); 5 bases into the intron after coding-DNA position 1377, G replaced by A.
Molecular consequence: intron variant.
Genome position (GRCh38, 1-based): chr15:92,946,221, G>A. VCF-style: chr15-92946221-G-A. GRCh37 (hg19) VCF-style: chr15-93489451-G-A.
Other names: c.1377+5G>A (NM_001042572.3).
Identifiers: ClinVar variation 4797522 (VCV004797522.1).
Genomic context (GRCh38, chr15:92,946,221, plus strand): 5'-TTGACAGCTTCCACAGTAGGAACAACTCAAAAACCATCCCAACAAGAGAATGCAAGGTAT[G>A]GTGATGGTTGGCTTTTGTTTTTTCAGGGAGAAGATATACTGATAAAGAGGATTGGACACA-3'